The following is an entry in ClinVar:

ClinVar aggregate classification (germline): Uncertain significance (1 of 4 stars; one submission).

gnomAD v4.1: 3 of 1,294,982 alleles (0.00023%); highest among the groups gnomAD compares: East Asian, 0.0032%; no homozygotes.

Submission:

GeneDx
Classification: Uncertain significance. Last evaluated: 2023-12-15. Review status: criteria provided, single submitter. Criteria: GeneDx Variant Classification Process June 2021. Collection method: clinical testing. Allele origin: germline. Affected: yes.
Comment: Not observed at significant frequency in large population cohorts (gnomAD); In silico analysis supports that this missense variant does not alter protein structure/function; Has not been previously published as pathogenic or benign to our knowledge

NM_016148.5(SHANK1):c.4150C>A (p.Arg1384Ser)

Gene: SHANK1 (SH3 and multiple ankyrin repeat domains 1; minus strand). Cytogenetic location: 19q13.33.
Variant type: single nucleotide variant.
Coding change: c.4150C>A on transcript NM_016148.5 (MANE Select); coding-DNA position 4150, C replaced by A.
Protein change: p.Arg1384Ser; replaces arginine 1384 with serine.
Molecular consequence: missense variant.
Genome position (GRCh38, 1-based): chr19:50,667,810, G>T on the plus strand (C>A on the coding strand, the complement: SHANK1 is on the minus strand). VCF-style: chr19-50667810-G-T. GRCh37 (hg19) VCF-style: chr19-51171067-G-T.
Other names: short protein forms R1384S.
Identifiers: ClinVar variation 3365632 (VCV003365632.1).